The following is an entry in ClinVar:

NM_000535.7(PMS2):c.1480T>C (p.Ser494Pro)

Gene: PMS2 (PMS1 homolog 2, mismatch repair system component; minus strand). Cytogenetic location: 7p22.1.
Variant type: single nucleotide variant.
Coding change: c.1480T>C on transcript NM_000535.7 (MANE Select); coding-DNA position 1480, T replaced by C.
Protein change: p.Ser494Pro; replaces serine 494 with proline.
Molecular consequence: missense variant. On other transcripts: non-coding transcript variant (1).
Genome position (GRCh38, 1-based): chr7:5,987,285, A>G on the plus strand (T>C on the coding strand, the complement: PMS2 is on the minus strand). VCF-style: chr7-5987285-A-G. GRCh37 (hg19) VCF-style: chr7-6026916-A-G.
Other names: c.1075T>C, p.Ser359Pro (NM_001322003.2, NM_001322004.2, NM_001322005.2 and 1 more transcripts); c.1324T>C, p.Ser442Pro (NM_001322006.2); c.1162T>C, p.Ser388Pro (NM_001322007.2, NM_001322008.2); c.919T>C, p.Ser307Pro (NM_001322010.2); c.547T>C, p.Ser183Pro (NM_001322011.2, NM_001322012.2); c.907T>C, p.Ser303Pro (NM_001322013.2); c.1480T>C, p.Ser494Pro (NM_001322014.2); c.1171T>C, p.Ser391Pro (NM_001322015.2); short protein forms S494P, S303P, S359P, S391P, S307P, S442P, S388P, S183P.
Identifiers: ClinVar variation 142491 (VCV000142491.6), dbSNP rs587782500, ClinGen allele CA009747.

ClinVar aggregate classification (germline): Uncertain significance (1 of 4 stars; one submission).

Conditions:
Hereditary cancer-predisposing syndrome. Also called: Hereditary Cancer Syndrome; Neoplastic Syndromes, Hereditary; Hereditary neoplastic syndrome; Tumor predisposition. Identifiers: Orphanet 140162, MedGen C0027672, MeSH D009386, MONDO:0015356.

Allele frequency attached by ClinVar (database versions not stated): ExAC 0.00001.

Submission:

Ambry Genetics
Classification: Uncertain significance for Hereditary cancer-predisposing syndrome. Last evaluated: 2025-06-03. Review status: criteria provided, single submitter. Criteria: Ambry Variant Classification Scheme 2023. Collection method: clinical testing. Allele origin: germline.
Comment: The p.S494P variant (also known as c.1480T>C), located in coding exon 11 of the PMS2 gene, results from a T to C substitution at nucleotide position 1480. The serine at codon 494 is replaced by proline, an amino acid with similar properties. This amino acid position is well conserved in available vertebrate species. In addition, this alteration is predicted to be tolerated by in silico analysis. Based on the available evidence, the clinical significance of this variant remains unclear.